The following is an entry in ClinVar:

ClinVar aggregate classification (germline): Benign (0 of 4 stars; one submission).

Conditions:
SCRIB-related disorder. Also called: SCRIB-related condition.

Allele frequency attached by ClinVar (database versions not stated): ExAC 0.07531; ESP Exome Variant Server 0.08106; TOPMed 0.08374; gnomAD 0.08511; 1000 Genomes Project 30x 0.09572; 1000 Genomes Project 0.09724.
gnomAD v4.1: 91,673 of 1,537,270 alleles (6%); highest among the groups gnomAD compares: African/African-American, 16%; 3,354 homozygotes.

Submission:

PreventionGenetics, part of Exact Sciences
Classification: Benign for SCRIB-related condition. Last evaluated: 2019-12-06. Review status: no assertion criteria provided. Collection method: clinical testing. Allele origin: germline.
Comment: This variant is classified as benign based on ACMG/AMP sequence variant interpretation guidelines (Richards et al. 2015 PMID: 25741868, with internal and published modifications).

NM_182706.5(SCRIB):c.2938G>A (p.Gly980Arg)

Gene: SCRIB (scribble planar cell polarity protein; minus strand). Cytogenetic location: 8q24.3.
Variant type: single nucleotide variant.
Coding change: c.2938G>A on transcript NM_182706.5 (MANE Select); coding-DNA position 2938, G replaced by A.
Protein change: p.Gly980Arg; replaces glycine 980 with arginine.
Molecular consequence: missense variant.
Genome position (GRCh38, 1-based): chr8:143,804,639, C>T on the plus strand (G>A on the coding strand, the complement: SCRIB is on the minus strand). VCF-style: chr8-143804639-C-T. GRCh37 (hg19) VCF-style: chr8-144886809-C-T.
Other names: c.2938G>A, p.Gly980Arg (NM_015356.5); short protein forms G980R.
Identifiers: ClinVar variation 3060385 (VCV003060385.2), dbSNP rs11542374, ClinGen allele CA4918939.